The following is an entry in ClinVar:

ClinVar aggregate classification (germline): Uncertain significance (1 of 4 stars; one submission).

Conditions:
Holoprosencephaly sequence (HPE). Also called: Holoprosencephaly. Identifiers: Orphanet 2162, MedGen C0079541, MONDO:0016296, HP:0001360.

Allele frequency attached by ClinVar (database versions not stated): gnomAD 0.00005.
gnomAD v4.1: 18 of 1,568,108 alleles (0.0011%); highest among the groups gnomAD compares: African/African-American, 0.02%; no homozygotes.

Submission:

Labcorp Genetics (formerly Invitae), Labcorp
Classification: Uncertain significance for Holoprosencephaly sequence. Last evaluated: 2023-02-22. Review status: criteria provided, single submitter. Criteria: Invitae Variant Classification Sherloc (09022015). Collection method: clinical testing. Allele origin: germline.
Comment: In summary, the available evidence is currently insufficient to determine the role of this variant in disease. Therefore, it has been classified as a Variant of Uncertain Significance. Advanced modeling of protein sequence and biophysical properties (such as structural, functional, and spatial information, amino acid conservation, physicochemical variation, residue mobility, and thermodynamic stability) performed at Invitae indicates that this missense variant is not expected to disrupt FOXH1 protein function. This variant has not been reported in the literature in individuals affected with FOXH1-related conditions. The frequency data for this variant in the population databases is considered unreliable, as metrics indicate poor data quality at this position in the gnomAD database. This sequence change replaces threonine, which is neutral and polar, with alanine, which is neutral and non-polar, at codon 232 of the FOXH1 protein (p.Thr232Ala).

NM_003923.3(FOXH1):c.694A>G (p.Thr232Ala)

Gene: FOXH1 (forkhead box H1; minus strand). Cytogenetic location: 8q24.3.
Variant type: single nucleotide variant.
Coding change: c.694A>G on transcript NM_003923.3 (MANE Select); coding-DNA position 694, A replaced by G.
Protein change: p.Thr232Ala; replaces threonine 232 with alanine.
Molecular consequence: missense variant.
Genome position (GRCh38, 1-based): chr8:144,474,642, T>C on the plus strand (A>G on the coding strand, the complement: FOXH1 is on the minus strand). VCF-style: chr8-144474642-T-C. GRCh37 (hg19) VCF-style: chr8-145700025-T-C.
Other names: short protein forms T232A.
Identifiers: ClinVar variation 2723363 (VCV002723363.3), dbSNP rs745445336, ClinGen allele CA4945467.